The following is an entry in ClinVar:

ClinVar aggregate classification (germline): Likely benign (0 of 4 stars; one submission).

Conditions:
NEFH-related disorder. Also called: NEFH-related condition.

Submission:

PreventionGenetics, part of Exact Sciences
Classification: Likely benign for NEFH-related condition. Last evaluated: 2022-03-14. Review status: no assertion criteria provided. Collection method: clinical testing. Allele origin: germline.
Comment: This variant is classified as likely benign based on ACMG/AMP sequence variant interpretation guidelines (Richards et al. 2015 PMID: 25741868, with internal and published modifications).

NM_021076.4(NEFH):c.507G>C (p.Leu169=)

Gene: NEFH (neurofilament heavy chain; plus strand). Cytogenetic location: 22q12.2.
Variant type: single nucleotide variant.
Coding change: c.507G>C on transcript NM_021076.4 (MANE Select); coding-DNA position 507, G replaced by C.
Protein change: p.Leu169=; no amino-acid change (leucine 169 retained).
Molecular consequence: synonymous variant.
Genome position (GRCh38, 1-based): chr22:29,480,769, G>C. VCF-style: chr22-29480769-G-C. GRCh37 (hg19) VCF-style: chr22-29876758-G-C.
Identifiers: ClinVar variation 3055625 (VCV003055625.2), dbSNP rs2517968958, ClinGen allele CA514173362.